The following is an entry in ClinVar:

ClinVar aggregate classification (germline): Uncertain significance. Review status: criteria provided, multiple submitters, no conflicts (2 of 4 stars). 9 submissions from 9 submitters: Uncertain significance (9). Last evaluated 2026-02-11.

Conditions:
Combined immunodeficiency due to LRBA deficiency. Also called: Common variable immunodeficiency 8, with autoimmunity. Identifiers: Orphanet 445018, MedGen C3553512, MONDO:0013863, OMIM 614700.
Inborn genetic diseases. Identifiers: MedGen C0950123, MeSH D030342.

Allele frequency attached by ClinVar (database versions not stated): gnomAD exomes 0.00043 and 0.00099; ESP Exome Variant Server 0.00046; ExAC 0.00050; gnomAD 0.00064 and 0.00067; TOPMed 0.00069.
gnomAD v4.1: 1,490 of 1,566,416 alleles (0.095%); highest among the groups gnomAD compares: Non-Finnish European, 0.12%; 2 homozygotes.

Submissions (9):

Women's Health and Genetics/Laboratory Corporation of America, LabCorp
Classification: Uncertain significance. Last evaluated: 2026-02-11. Review status: criteria provided, single submitter. Criteria: LabCorp Variant Classification Summary - May 2015. Collection method: clinical testing. Allele origin: germline.
Comment: Variant summary: LRBA c.8057C>T (p.Thr2686Ile) results in a non-conservative amino acid change in the encoded protein sequence. Algorithms developed to predict the effect of missense changes on protein structure and function are either unavailable or do not agree on the potential impact of this missense change. The variant allele was found at a frequency of 0.00043 in 181042 control chromosomes. This frequency is not significantly higher than estimated for disease-causing variants in LRBA, allowing no conclusion about variant significance. To our knowledge, no occurrence of c.8057C>T in individuals affected with LRBA-related conditions and no experimental evidence demonstrating its impact on protein function have been reported. ClinVar contains an entry for this variant (Variation ID: 497404). Based on the evidence outlined above, the variant was classified as uncertain significance.

GeneDx
Classification: Uncertain significance. Last evaluated: 2026-02-04. Review status: criteria provided, single submitter. Criteria: GeneDx Variant Classification Process June 2021. Collection method: clinical testing. Allele origin: germline.
Comment: In silico analysis suggests that this missense variant does not alter protein structure/function; Has not been previously published as pathogenic or benign to our knowledge

Mayo Clinic Laboratories, Mayo Clinic
Classification: Uncertain significance. Last evaluated: 2025-02-18. Review status: criteria provided, single submitter. Criteria: ACMG Guidelines, 2015. Collection method: clinical testing. Allele origin: germline. Observed: 2 variant alleles.
Comment: BP4

Blueprint Genetics
Classification: Uncertain significance. Last evaluated: 2024-11-06. Review status: criteria provided, single submitter. Criteria: ACMG Guidelines, 2015. Collection method: clinical testing. Allele origin: germline.

Victorian Clinical Genetics Services, Murdoch Childrens Research Institute
Classification: Uncertain significance for Combined immunodeficiency due to LRBA deficiency. Last evaluated: 2024-10-11. Review status: criteria provided, single submitter. Criteria: ACMG Guidelines, 2015. Collection method: clinical testing. Allele origin: germline. Inheritance: Autosomal recessive inheritance. Affected: yes.
Comment: Based on the classification scheme VCGS_Germline_v1.1.1, this variant is classified as 3C-VUS. Following criteria are met: 0102 - Loss-of-function is a known mechanism of disease for this gene. (N) 0106 - This gene is known to be associated with autosomal recessive disease. (N) 0112 - Variants in this gene are known to have reduced penetrance (PMID: 31432443, PMID: 28473463). (N) 0200 - Variant is predicted to result in a missense amino acid change from threonine to isoleucine (exon 54). (N) 0251 - Variant is heterozygous. (N) 0304 - Variant is present in gnomAD <0.01 for a recessive condition (98 heterozygotes, 0 homozygotes). (P) 0503 - Missense variant consistently predicted to be tolerated or not conserved in mammals with a minor amino acid change. (N) 0504 - Same amino acid change has been observed in a mammal. (B) 0600 - Variant is located in an annotated domain or motif (WD40 repeat; NCBI). (N) 0705 - No comparable variants have previous evidence for pathogenicity. (N) 0804 - Variant has previously been described as variant of uncertain significance (ClinVar) and as likely benign (LOVD). (N) 0905 - No segregation evidence has been identified for this variant. (N) 1007 - No published functional evidence has been identified for this variant. (N) Legend: (P) - Pathogenic, (N) - Neutral, (B) - Benign

Labcorp Genetics (formerly Invitae), Labcorp
Classification: Uncertain significance for Combined immunodeficiency due to LRBA deficiency. Last evaluated: 2022-10-25. Review status: criteria provided, single submitter. Criteria: Invitae Variant Classification Sherloc (09022015). Collection method: clinical testing. Allele origin: germline.
Comment: This sequence change replaces threonine, which is neutral and polar, with isoleucine, which is neutral and non-polar, at codon 2686 of the LRBA protein (p.Thr2686Ile). This variant is present in population databases (rs202244838, gnomAD 0.08%), and has an allele count higher than expected for a pathogenic variant. This variant has not been reported in the literature in individuals affected with LRBA-related conditions. ClinVar contains an entry for this variant (Variation ID: 497404). Advanced modeling of protein sequence and biophysical properties (such as structural, functional, and spatial information, amino acid conservation, physicochemical variation, residue mobility, and thermodynamic stability) performed at Invitae indicates that this missense variant is not expected to disrupt LRBA protein function. In summary, the available evidence is currently insufficient to determine the role of this variant in disease. Therefore, it has been classified as a Variant of Uncertain Significance.

Ambry Genetics
Classification: Uncertain significance for Inborn genetic diseases. Last evaluated: 2021-06-11. Review status: criteria provided, single submitter. Criteria: Ambry Variant Classification Scheme 2023. Collection method: clinical testing. Allele origin: germline.

Center for Genomics, Ann and Robert H. Lurie Children's Hospital of Chicago
Classification: Uncertain significance for Combined immunodeficiency due to LRBA deficiency. Last evaluated: 2021-03-30. Review status: criteria provided, single submitter. Criteria: ACMG Guidelines, 2015. Collection method: clinical testing. Allele origin: germline.
Comment: LRBA NM_006726.4 exon 55 p.Thr2686Ile (c.8057C>T): This variant has not been reported in the literature but is present in 0.08% (79/92680) of European alleles in the Genome Aggregation Database. This variant is present in ClinVar (Variation ID:497404). Evolutionary conservation and computational predictive tools suggest that this variant may not impact the protein. In summary, data on this variant is insufficient for disease classification. Therefore, the clinical significance of this variant is uncertain.

Eurofins Ntd Llc (ga)
Classification: Uncertain significance. Last evaluated: 2016-10-10. Review status: criteria provided, single submitter. Criteria: EGL Classification Definitions 2015. Collection method: clinical testing. Allele origin: germline. Observed: 1 variant allele, 1 heterozygote.

Literature cited by the submitters: PubMed 28473463 (cited by Victorian Clinical Genetics Services, Murdoch Childrens Research Institute); PubMed 31432443 (cited by Victorian Clinical Genetics Services, Murdoch Childrens Research Institute).

NM_001364905.1(LRBA):c.8024C>T (p.Thr2675Ile)

Gene: LRBA (LPS responsive beige-like anchor protein; minus strand). Cytogenetic location: 4q31.3.
Variant type: single nucleotide variant.
Coding change: c.8024C>T on transcript NM_001364905.1 (MANE Select); coding-DNA position 8024, C replaced by T.
Protein change: p.Thr2675Ile; replaces threonine 2675 with isoleucine.
Molecular consequence: missense variant.
Genome position (GRCh38, 1-based): chr4:150,286,028, G>A on the plus strand (C>T on the coding strand, the complement: LRBA is on the minus strand). VCF-style: chr4-150286028-G-A. GRCh37 (hg19) VCF-style: chr4-151207180-G-A.
Other names: p.Thr2686Ile; c.8021C>T, p.Thr2674Ile (NM_001199282.3); c.8039C>T, p.Thr2680Ile (NM_001367550.1); c.8057C>T, p.Thr2686Ile (NM_006726.5); short protein forms T2686I, T2674I, T2675I, T2680I.
Identifiers: ClinVar variation 497404 (VCV000497404.22), dbSNP rs202244838, ClinGen allele CA3101460.